The following is an entry in ClinVar:

NM_145064.3(STAC3):c.491G>C (p.Cys164Ser)

Gene: STAC3 (SH3 and cysteine rich domain 3; minus strand). Cytogenetic location: 12q13.3.
Variant type: single nucleotide variant.
Coding change: c.491G>C on transcript NM_145064.3 (MANE Select); coding-DNA position 491, G replaced by C.
Protein change: p.Cys164Ser; replaces cysteine 164 with serine.
Molecular consequence: missense variant. On other transcripts: 5 prime UTR variant (1), non-coding transcript variant (1).
Genome position (GRCh38, 1-based): chr12:57,248,140, C>G on the plus strand (G>C on the coding strand, the complement: STAC3 is on the minus strand). VCF-style: chr12-57248140-C-G. GRCh37 (hg19) VCF-style: chr12-57641923-C-G.
Other names: c.374G>C, p.Cys125Ser (NM_001286256.2); c.-68G>C (NM_001286257.2); short protein forms C164S, C125S.
Identifiers: ClinVar variation 957848 (VCV000957848.10), dbSNP rs2037798842, ClinGen allele CA385415250.
Genomic context (GRCh38, chr12:57,248,140, plus strand): 5'-ATCTCTAGGCTTGCCCATTCCCTCATGTTCCATAAAGGGCACTTACAGAGATCTTTGACA[C>G]AAGCGTACTGCTGGTTGCTGTAGAGTGGGGAACTATAGGCCCGATGGAAACCAGGTGGCT-3'
Protein context (NP_659501.1, residues 154-174): SPLYSNQQYA[Cys164Ser]VKDLSAANRN

ClinVar aggregate classification (germline): Uncertain significance (1 of 4 stars; one submission).

Conditions:
Bailey-Bloch congenital myopathy (CMYO13). Also called: Native American myopathy; STAC3 disorder; Congenital myopathy 13. Identifiers: Orphanet 168572, MedGen C1850625, MONDO:0009722, OMIM 255995.

Submission:

Labcorp Genetics (formerly Invitae), Labcorp
Classification: Uncertain significance for Bailey-Bloch congenital myopathy. Last evaluated: 2022-10-04. Review status: criteria provided, single submitter. Criteria: Invitae Variant Classification Sherloc (09022015). Collection method: clinical testing. Allele origin: germline.
Comment: Advanced modeling of protein sequence and biophysical properties (such as structural, functional, and spatial information, amino acid conservation, physicochemical variation, residue mobility, and thermodynamic stability) performed at Invitae indicates that this missense variant is not expected to disrupt STAC3 protein function. ClinVar contains an entry for this variant (Variation ID: 957848). This variant has not been reported in the literature in individuals affected with STAC3-related conditions. This variant is not present in population databases (gnomAD no frequency). This sequence change replaces cysteine, which is neutral and slightly polar, with serine, which is neutral and polar, at codon 164 of the STAC3 protein (p.Cys164Ser). In summary, the available evidence is currently insufficient to determine the role of this variant in disease. Therefore, it has been classified as a Variant of Uncertain Significance.